The following is an entry in ClinVar:

ClinVar aggregate classification (germline): Uncertain significance (1 of 4 stars; one submission).

Submission:

CeGaT Center for Human Genetics Tuebingen
Classification: Uncertain significance. Last evaluated: 2023-07-01. Review status: criteria provided, single submitter. Criteria: CeGaT Center For Human Genetics Tuebingen Variant Classification Criteria Version 2. Collection method: clinical testing. Allele origin: germline. Affected: yes. Observed: 1 variant allele.
Comment: SETD2: PM2, PS2:Moderate, BP4

NM_014159.7(SETD2):c.7431+3A>T

Gene: SETD2 (SET domain containing 2, histone lysine methyltransferase; minus strand). Cytogenetic location: 3p21.31.
Variant type: single nucleotide variant.
Coding change: c.7431+3A>T on transcript NM_014159.7 (MANE Select); 3 bases into the intron after coding-DNA position 7431, A replaced by T.
Molecular consequence: intron variant.
Genome position (GRCh38, 1-based): chr3:47,019,757, T>A on the plus strand (A>T on the coding strand, the complement: SETD2 is on the minus strand). VCF-style: chr3-47019757-T-A. GRCh37 (hg19) VCF-style: chr3-47061247-T-A.
Other names: c.7299+3A>T (NM_001349370.3).
Identifiers: ClinVar variation 2578941 (VCV002578941.25), dbSNP rs2545376730, ClinGen allele CA2580617904.
Genomic context (GRCh38, chr3:47,019,757, plus strand): 5'-AAGAAATGAAAGGGTTCAGATTTAAGCCTGAGGAGCTTAGTGCTTATATCCACCAAACCT[T>A]ACCTCTTTTCTGAATACTTCTTTGCTTTTCTTTGCTAGTTCACTGGAGGTGTCTGCTTCT-3'